The following is an entry in ClinVar:

ClinVar aggregate classification (germline): Uncertain significance (1 of 4 stars; one submission).

Allele frequency attached by ClinVar (database versions not stated): TOPMed below 0.00001; gnomAD 0.00001.
gnomAD v4.1: 2 of 1,610,734 alleles (0.00012%); highest among the groups gnomAD compares: Non-Finnish European, 0.00017%; no homozygotes.

Submission:

Labcorp Genetics (formerly Invitae), Labcorp
Classification: Uncertain significance. Last evaluated: 2023-04-17. Review status: criteria provided, single submitter. Criteria: Invitae Variant Classification Sherloc (09022015). Collection method: clinical testing. Allele origin: germline.
Comment: This sequence change replaces glutamine, which is neutral and polar, with histidine, which is basic and polar, at codon 2275 of the SZT2 protein (p.Gln2275His). This variant is not present in population databases (gnomAD no frequency). This variant has not been reported in the literature in individuals affected with SZT2-related conditions. Advanced modeling of protein sequence and biophysical properties (such as structural, functional, and spatial information, amino acid conservation, physicochemical variation, residue mobility, and thermodynamic stability) performed at Invitae indicates that this missense variant is not expected to disrupt SZT2 protein function. In summary, the available evidence is currently insufficient to determine the role of this variant in disease. Therefore, it has been classified as a Variant of Uncertain Significance.

NM_001365999.1(SZT2):c.6996A>C (p.Gln2332His)

Gene: SZT2 (SZT2 subunit of KICSTOR complex; plus strand). Cytogenetic location: 1p34.2.
Variant type: single nucleotide variant.
Coding change: c.6996A>C on transcript NM_001365999.1 (MANE Select); coding-DNA position 6996, A replaced by C.
Protein change: p.Gln2332His; replaces glutamine 2332 with histidine.
Molecular consequence: missense variant.
Genome position (GRCh38, 1-based): chr1:43,439,723, A>C. VCF-style: chr1-43439723-A-C. GRCh37 (hg19) VCF-style: chr1-43905394-A-C.
Other names: c.6825A>C, p.Gln2275His (NM_015284.4); short protein forms Q2332H, Q2275H.
Identifiers: ClinVar variation 2854278 (VCV002854278.3), dbSNP rs1314768886, ClinGen allele CA340032926.
Genomic context (GRCh38, chr1:43,439,723, plus strand): 5'-GTTGTGGCCCCCCTCCTCTCCGGGGCCCCCAGACCCACTGCGAGAGGAGGAATTTGAGCA[A>C]CTGACCCAGGTCATCCGCTGCCCGGTTGTTGTGGACAGTTCTTCAGGTGGGACAGCTTGG-3'
Protein context (NP_001352928.1, residues 2322-2342): PDPLREEEFE[Gln2332His]LTQVIRCPVV